The following is an entry in ClinVar:

NM_012469.4(PRPF6):c.1769+1G>A

Gene: PRPF6 (pre-mRNA processing factor 6; plus strand). Cytogenetic location: 20q13.33.
Variant type: single nucleotide variant.
Coding change: c.1769+1G>A on transcript NM_012469.4 (MANE Select); the canonical splice donor site of the intron after coding-DNA position 1769, G replaced by A.
Molecular consequence: splice donor variant.
Genome position (GRCh38, 1-based): chr20:64,022,879, G>A. VCF-style: chr20-64022879-G-A. GRCh37 (hg19) VCF-style: chr20-62654232-G-A.
Identifiers: ClinVar variation 2814728 (VCV002814728.3), dbSNP rs2059272760, ClinGen allele CA409734037.

ClinVar aggregate classification (germline): Uncertain significance (1 of 4 stars; one submission).

Submission:

Labcorp Genetics (formerly Invitae), Labcorp
Classification: Uncertain significance. Last evaluated: 2023-04-09. Review status: criteria provided, single submitter. Criteria: Invitae Variant Classification Sherloc (09022015). Collection method: clinical testing. Allele origin: germline.
Comment: In summary, the available evidence is currently insufficient to determine the role of this variant in disease. Therefore, it has been classified as a Variant of Uncertain Significance. Algorithms developed to predict the effect of sequence changes on RNA splicing suggest that this variant may disrupt the consensus splice site. This variant has not been reported in the literature in individuals affected with PRPF6-related conditions. This variant is not present in population databases (gnomAD no frequency). This sequence change affects a donor splice site in intron 13 of the PRPF6 gene. It is expected to disrupt RNA splicing. Variants that disrupt the donor or acceptor splice site typically lead to a loss of protein function (PMID: 16199547), however the current clinical and genetic evidence is not sufficient to establish whether loss-of-function variants in PRPF6 cause disease.

Literature cited by the submitters: PubMed 16199547.